The following is an entry in ClinVar:

NM_024675.4(PALB2):c.1939C>T (p.His647Tyr)

Gene: PALB2 (partner and localizer of BRCA2; minus strand). Cytogenetic location: 16p12.2.
Variant type: single nucleotide variant.
Coding change: c.1939C>T on transcript NM_024675.4 (MANE Select); coding-DNA position 1939, C replaced by T.
Protein change: p.His647Tyr; replaces histidine 647 with tyrosine.
Molecular consequence: missense variant.
Genome position (GRCh38, 1-based): chr16:23,630,215, G>A on the plus strand (C>T on the coding strand, the complement: PALB2 is on the minus strand). VCF-style: chr16-23630215-G-A. GRCh37 (hg19) VCF-style: chr16-23641536-G-A.
Other names: short protein forms H647Y.
Identifiers: ClinVar variation 480266 (VCV000480266.19), dbSNP rs1555460583, ClinGen allele CA395127442.

ClinVar aggregate classification (germline): Uncertain significance. Review status: criteria provided, multiple submitters, no conflicts (2 of 4 stars). 4 submissions from 4 submitters: Uncertain significance (4). Last evaluated 2025-08-13.

Conditions:
Hereditary cancer-predisposing syndrome. Also called: Hereditary Cancer Syndrome; Neoplastic Syndromes, Hereditary; Tumor predisposition; Hereditary neoplastic syndrome. Identifiers: Orphanet 140162, MedGen C0027672, MeSH D009386, MONDO:0015356.
Familial cancer of breast. Also called: BREAST CANCER, FAMILIAL; Hereditary breast cancer; hereditary breast carcinoma. Identifiers: Orphanet 227535, MedGen C0346153, MONDO:0016419, OMIM 114480. Disease mechanism: loss of function.

Allele frequency attached by ClinVar (database versions not stated): gnomAD exomes 0.00001.
gnomAD v4.1: 4 of 1,614,056 alleles (0.00025%); highest among the groups gnomAD compares: Non-Finnish European, 0.00034%; no homozygotes.

Submissions (4):

Color Diagnostics, LLC DBA Color Health
Classification: Uncertain significance for Hereditary cancer-predisposing syndrome. Last evaluated: 2025-08-13. Review status: criteria provided, single submitter. Criteria: ACMG Guidelines, 2015. Collection method: clinical testing. Allele origin: germline.
Comment: This missense variant replaces histidine with tyrosine at codon 647 of the PALB2 protein. Computational prediction suggests that this variant may not impact protein structure and function. To our knowledge, functional studies have not been reported for this variant. This variant has been detected in a breast cancer case-control meta-analysis in 1/60466 cases and 0/53461 unaffected individuals (PMID: 33471991Leiden Open Variation Database DB-ID PALB2_010959). This variant has not been identified in the general population by the Genome Aggregation Database (gnomAD). The available evidence is insufficient to determine the role of this variant in disease conclusively. Therefore, this variant is classified as a Variant of Uncertain Significance.

Labcorp Genetics (formerly Invitae), Labcorp
Classification: Uncertain significance for Familial cancer of breast. Last evaluated: 2025-07-13. Review status: criteria provided, single submitter. Criteria: Invitae Variant Classification Sherloc (09022015). Collection method: clinical testing. Allele origin: germline.
Comment: This sequence change replaces histidine, which is basic and polar, with tyrosine, which is neutral and polar, at codon 647 of the PALB2 protein (p.His647Tyr). This variant is not present in population databases (gnomAD no frequency). This variant has not been reported in the literature in individuals affected with PALB2-related conditions. ClinVar contains an entry for this variant (Variation ID: 480266). Invitae Evidence Modeling of protein sequence and biophysical properties (such as structural, functional, and spatial information, amino acid conservation, physicochemical variation, residue mobility, and thermodynamic stability) indicates that this missense variant is not expected to disrupt PALB2 protein function with a negative predictive value of 80%. In summary, the available evidence is currently insufficient to determine the role of this variant in disease. Therefore, it has been classified as a Variant of Uncertain Significance.

Ambry Genetics
Classification: Uncertain significance for Hereditary cancer-predisposing syndrome. Last evaluated: 2024-01-01. Review status: criteria provided, single submitter. Criteria: Ambry Variant Classification Scheme 2023. Collection method: clinical testing. Allele origin: germline.
Comment: The p.H647Y variant (also known as c.1939C>T), located in coding exon 5 of the PALB2 gene, results from a C to T substitution at nucleotide position 1939. The histidine at codon 647 is replaced by tyrosine, an amino acid with similar properties. This amino acid position is not well conserved in available vertebrate species. In addition, this alteration is predicted to be tolerated by in silico analysis. Since supporting evidence is limited at this time, the clinical significance of this alteration remains unclear.

Women's Health and Genetics/Laboratory Corporation of America, LabCorp
Classification: Uncertain significance. Last evaluated: 2016-05-20. Review status: criteria provided, single submitter. Criteria: LabCorp Variant Classification Summary - May 2015. Collection method: clinical testing. Allele origin: germline.
Comment: Variant summary: The PALB2 c.1939C>T (p.His647Tyr) variant involves the alteration of a non-conserved nucleotide. 4/4 in silico tools predict a benign outcome for this variant (SNPs&GO not captured due to low reliability index). This variant was absent in 121020 control chromosomes, and has not, to our knowledge, been reported in affected individuals via publications and/or reputable databases/clinical diagnostic laboratories; nor evaluated for functional impact by in vivo/vitro studies. Because of the absence of clinical information and the lack of functional studies, the variant was classified as a variant of uncertain significance (VUS) until additional information becomes available.

Literature cited by the submitters: PubMed 33471991 (cited by Color Diagnostics, LLC DBA Color Health).